The following is an entry in ClinVar:

NM_022552.5(DNMT3A):c.448+8C>G

Gene: DNMT3A (DNA methyltransferase 3 alpha; minus strand). Cytogenetic location: 2p23.3.
Variant type: single nucleotide variant.
Coding change: c.448+8C>G on transcript NM_022552.5 (MANE Select); 8 bases into the intron after coding-DNA position 448, C replaced by G.
Molecular consequence: intron variant. On other transcripts: synonymous variant (2).
Genome position (GRCh38, 1-based): chr2:25,282,433, G>C on the plus strand (C>G on the coding strand, the complement: DNMT3A is on the minus strand). VCF-style: chr2-25282433-G-C. GRCh37 (hg19) VCF-style: chr2-25505302-G-C.
Other names: c.456C>G, p.Ser152= (NM_001320892.2, NM_175630.1); c.448+8C>G (NM_175629.2).
Identifiers: ClinVar variation 2650729 (VCV002650729.24), dbSNP rs2465820235, ClinGen allele CA2695200430.

ClinVar aggregate classification (germline): Uncertain significance (1 of 4 stars; one submission).

Submission:

CeGaT Center for Human Genetics Tuebingen
Classification: Uncertain significance. Last evaluated: 2022-03-01. Review status: criteria provided, single submitter. Criteria: CeGaT Center For Human Genetics Tuebingen Variant Classification Criteria Version 2. Collection method: clinical testing. Allele origin: germline. Affected: yes. Observed: 1 variant allele.
Comment: DNMT3A: PM2, BP4